The following is an entry in ClinVar:

ClinVar aggregate classification (germline): Uncertain significance. Review status: criteria provided, multiple submitters, no conflicts (2 of 4 stars). 2 submissions from 2 submitters: Uncertain significance (2). Last evaluated 2026-07-20.

Conditions:
Inborn genetic diseases. Identifiers: MedGen C0950123, MeSH D030342.
Acute myeloid leukemia (AML). Also called: Leukemia, acute myeloid, somatic; Leukemia, acute myelogenous, somatic; Acute myeloid leukemia, adult; AML adult; Acute non-lymphocytic leukemia; Acute granulocytic leukemia. Identifiers: Orphanet 519, MedGen C0023467, MeSH D015470, MONDO:0018874, OMIM 601626, HP:0004808. Disease mechanism: Constitutively activated FLT3.

Submissions (2):

Ambry Genetics
Classification: Uncertain significance for Inborn genetic diseases. Last evaluated: 2026-07-20. Review status: criteria provided, single submitter. Criteria: Ambry Variant Classification Scheme 2023. Collection method: clinical testing. Allele origin: germline.
Comment: The p.Q311L variant (also known as c.932A>T), located in coding exon 1 of the CEBPA gene, results from an A to T substitution at nucleotide position 932. The glutamine at codon 311 is replaced by leucine, an amino acid with dissimilar properties. This amino acid position is highly conserved in available vertebrate species. In addition, the in silico prediction for this alteration is inconclusive. Based on the available evidence, the clinical significance of this variant remains unclear.

Labcorp Genetics (formerly Invitae), Labcorp
Classification: Uncertain significance for Acute myeloid leukemia. Last evaluated: 2024-04-10. Review status: criteria provided, single submitter. Criteria: Invitae Variant Classification Sherloc (09022015). Collection method: clinical testing. Allele origin: germline.
Comment: This sequence change replaces glutamine, which is neutral and polar, with leucine, which is neutral and non-polar, at codon 311 of the CEBPA protein (p.Gln311Leu). This variant is not present in population databases (gnomAD no frequency). This variant has not been reported in the literature in individuals affected with CEBPA-related conditions. ClinVar contains an entry for this variant (Variation ID: 1476729). Advanced modeling of protein sequence and biophysical properties (such as structural, functional, and spatial information, amino acid conservation, physicochemical variation, residue mobility, and thermodynamic stability) performed at Invitae indicates that this missense variant is expected to disrupt CEBPA protein function with a positive predictive value of 80%. This variant disrupts the p.Gln311 amino acid residue in CEBPA. Other variant(s) that disrupt this residue have been determined to be pathogenic (PMID: 26721895). This suggests that this residue is clinically significant, and that variants that disrupt this residue are likely to be disease-causing. In summary, the available evidence is currently insufficient to determine the role of this variant in disease. Therefore, it has been classified as a Variant of Uncertain Significance.

Literature cited by the submitters: PubMed 26721895 (cited by Labcorp Genetics (formerly Invitae), Labcorp).

NM_004364.5(CEBPA):c.932A>T (p.Gln311Leu)

Gene: CEBPA (CCAAT enhancer binding protein alpha; minus strand). Cytogenetic location: 19q13.11.
Variant type: single nucleotide variant.
Coding change: c.932A>T on transcript NM_004364.5 (MANE Select); coding-DNA position 932, A replaced by T.
Protein change: p.Gln311Leu; replaces glutamine 311 with leucine.
Molecular consequence: missense variant.
Genome position (GRCh38, 1-based): chr19:33,301,483, T>A on the plus strand (A>T on the coding strand, the complement: CEBPA is on the minus strand). VCF-style: chr19-33301483-T-A. GRCh37 (hg19) VCF-style: chr19-33792389-T-A.
Other names: c.575A>T, p.Gln192Leu (NM_001285829.2); c.1037A>T, p.Gln346Leu (NM_001287424.2); c.890A>T, p.Gln297Leu (NM_001287435.2); c.932A>T (NM_004364.3); short protein forms Q346L, Q297L, Q311L, Q192L.
Identifiers: ClinVar variation 1476729 (VCV001476729.9), dbSNP rs2145258913, ClinGen allele CA405273894.